The following is an entry in ClinVar:

NM_001083619.3(GRIA2):c.90G>T (p.Gly30=)

Gene: GRIA2 (glutamate ionotropic receptor AMPA type subunit 2; plus strand). Cytogenetic location: 4q32.1.
Variant type: single nucleotide variant.
Coding change: c.90G>T on transcript NM_001083619.3 (MANE Select); coding-DNA position 90, G replaced by T.
Protein change: p.Gly30=; no amino-acid change (glycine 30 retained).
Molecular consequence: synonymous variant. On other transcripts: 5 prime UTR variant (3).
Genome position (GRCh38, 1-based): chr4:157,221,668, G>T. VCF-style: chr4-157221668-G-T. GRCh37 (hg19) VCF-style: chr4-158142820-G-T.
Other names: NC_000004.11:g.158142820G>T; c.90G>T, p.Gly30= (NM_000826.6); c.-52G>T (NM_001083620.3, NM_001379000.3, NM_001379001.3).
Identifiers: ClinVar variation 780113 (VCV000780113.37), dbSNP rs79163474, ClinGen allele CA3120085.

ClinVar aggregate classification (germline): Benign. Review status: criteria provided, multiple submitters, no conflicts (2 of 4 stars). 3 submissions from 3 submitters: Benign (3). Last evaluated 2024-08-01.

Allele frequency attached by ClinVar (database versions not stated): TOPMed 0.00935; gnomAD 0.00968 and 0.00983; ESP Exome Variant Server 0.00984; 1000 Genomes Project 0.00679; 1000 Genomes Project 30x 0.00687.
gnomAD v4.1: 21,130 of 1,613,956 alleles (1.3%); highest among the groups gnomAD compares: Non-Finnish European, 1.6%; 175 homozygotes.

Submissions (11):

CeGaT Center for Human Genetics Tuebingen
Classification: Benign. Last evaluated: 2024-08-01. Review status: criteria provided, single submitter. Criteria: CeGaT Center For Human Genetics Tuebingen Variant Classification Criteria Version 2. Collection method: clinical testing. Allele origin: germline. Affected: yes. Observed: 30 variant alleles.
Comment: GRIA2: BP4, BS1, BS2

Labcorp Genetics (formerly Invitae), Labcorp
Classification: Benign. Last evaluated: 2019-12-31. Review status: criteria provided, single submitter. Criteria: Invitae Variant Classification Sherloc (09022015). Collection method: clinical testing. Allele origin: germline.

Breakthrough Genomics
Classification: Benign. Review status: criteria provided, single submitter. Criteria: ACMG Guidelines, 2015. Collection method: not provided. Allele origin: germline. Inheritance: Autosomal dominant inheritance. Affected: yes.

Dr. Peter K. Rogan Lab, Western University
No classification provided (evidence only). Condition: Lung cancer. Review status: no classification provided. Collection method: in vitro. Allele origin: not applicable. Functional consequence: retained intron. Not counted in ClinVar's aggregate classification.

Dr. Peter K. Rogan Lab, Western University
No classification provided (evidence only). Condition: Melanoma. Review status: no classification provided. Collection method: in vitro. Allele origin: not applicable. Functional consequence: retained intron. Not counted in ClinVar's aggregate classification.

Dr. Peter K. Rogan Lab, Western University
No classification provided (evidence only). Condition: Melanoma. Review status: no classification provided. Collection method: in vitro. Allele origin: not applicable. Functional consequence: retained intron. Not counted in ClinVar's aggregate classification.

Dr. Peter K. Rogan Lab, Western University
No classification provided (evidence only). Condition: Thyroid cancer, nonmedullary, 1. Review status: no classification provided. Collection method: in vitro. Allele origin: not applicable. Functional consequence: retained intron. Not counted in ClinVar's aggregate classification.

Dr. Peter K. Rogan Lab, Western University
No classification provided (evidence only). Condition: Thymoma. Review status: no classification provided. Collection method: in vitro. Allele origin: not applicable. Functional consequence: retained intron. Not counted in ClinVar's aggregate classification.

Dr. Peter K. Rogan Lab, Western University
No classification provided (evidence only). Condition: Malignant tumor of esophagus. Review status: no classification provided. Collection method: in vitro. Allele origin: not applicable. Functional consequence: retained intron. Not counted in ClinVar's aggregate classification.

Dr. Peter K. Rogan Lab, Western University
No classification provided (evidence only). Condition: Chronic lymphocytic leukemia/small lymphocytic lymphoma. Review status: no classification provided. Collection method: in vitro. Allele origin: not applicable. Functional consequence: retained intron. Not counted in ClinVar's aggregate classification.

Dr. Peter K. Rogan Lab, Western University
No classification provided (evidence only). Condition: Ovarian cancer. Review status: no classification provided. Collection method: in vitro. Allele origin: not applicable. Functional consequence: retained intron. Not counted in ClinVar's aggregate classification.